The following is an entry in ClinVar:

ClinVar aggregate classification (germline): Uncertain significance (1 of 4 stars; one submission).

Conditions:
Combined immunodeficiency due to STIM1 deficiency. Also called: IMMUNODEFICIENCY 10; STIM1 DEFICIENCY. Identifiers: Orphanet 169090, Orphanet 317430, MedGen C2748557, MONDO:0013008, OMIM 612783.
Stormorken syndrome (STRMK). Also called: THROMBOCYTOPATHY, ASPLENIA, AND MIOSIS. Identifiers: Orphanet 3204, MedGen C1861451, MONDO:0008497, OMIM 185070.
Myopathy with tubular aggregates (TAM). Also called: Tubular Aggregate Myopathy. Identifiers: Orphanet 2593, MedGen C0410207, MONDO:0008051.

Allele frequency attached by ClinVar (database versions not stated): gnomAD 0.00007; ExAC 0.00003; gnomAD exomes 0.00004 and 0.00006; TOPMed 0.00005; ESP Exome Variant Server 0.00008.
gnomAD v4.1: 98 of 1,614,070 alleles (0.0061%); highest among the groups gnomAD compares: Middle Eastern, 0.016%; 1 homozygote.

Submission:

Labcorp Genetics (formerly Invitae), Labcorp
Classification: Uncertain significance for Myopathy with tubular aggregates; Combined immunodeficiency due to STIM1 deficiency; Stormorken syndrome. Last evaluated: 2025-11-03. Review status: criteria provided, single submitter. Criteria: Invitae Variant Classification Sherloc (09022015). Collection method: clinical testing. Allele origin: germline.
Comment: This sequence change replaces glutamic acid, which is acidic and polar, with lysine, which is basic and polar, at codon 546 of the STIM1 protein (p.Glu546Lys). This variant is present in population databases (rs371443357, gnomAD 0.007%). This variant has not been reported in the literature in individuals affected with STIM1-related conditions. ClinVar contains an entry for this variant (Variation ID: 647713). Invitae Evidence Modeling of protein sequence and biophysical properties (such as structural, functional, and spatial information, amino acid conservation, physicochemical variation, residue mobility, and thermodynamic stability) has been performed for this missense variant. However, the output from this modeling did not meet the statistical confidence thresholds required to predict the impact of this variant on STIM1 protein function. In summary, the available evidence is currently insufficient to determine the role of this variant in disease. Therefore, it has been classified as a Variant of Uncertain Significance.

NM_001382567.1(STIM1):c.1729G>A (p.Glu577Lys)

Gene: STIM1 (stromal interaction molecule 1; plus strand). Cytogenetic location: 11p15.4.
Variant type: single nucleotide variant.
Coding change: c.1729G>A on transcript NM_001382567.1 (MANE Select); coding-DNA position 1729, G replaced by A.
Protein change: p.Glu577Lys; replaces glutamic acid 577 with lysine.
Molecular consequence: missense variant. On other transcripts: 3 prime UTR variant (4), non-coding transcript variant (3).
Genome position (GRCh38, 1-based): chr11:4,091,376, G>A. VCF-style: chr11-4091376-G-A. GRCh37 (hg19) VCF-style: chr11-4112606-G-A.
Other names: c.1954G>A, p.Glu652Lys (NM_001277961.3); c.*50G>A (NM_001277962.2, NM_001382578.1, NM_001382579.1 and 1 more transcripts); c.1732G>A, p.Glu578Lys (NM_001382566.1); c.1657G>A, p.Glu553Lys (NM_001382568.1); c.1501G>A, p.Glu501Lys (NM_001382569.1); c.1408G>A, p.Glu470Lys (NM_001382570.1); c.1156G>A, p.Glu386Lys (NM_001382571.1); c.1414G>A, p.Glu472Lys (NM_001382575.1, NM_001382576.1, NM_001382577.1); and 2 more; short protein forms E652K, E546K, E383K, E386K, E470K, E472K, E501K, E553K.
Identifiers: ClinVar variation 647713 (VCV000647713.8), dbSNP rs371443357, ClinGen allele CA5830602.